The following is an entry in ClinVar:

NM_007103.4(NDUFV1):c.219C>T (p.Pro73=)

Gene: NDUFV1 (NADH:ubiquinone oxidoreductase core subunit V1; plus strand). Cytogenetic location: 11q13.2.
Variant type: single nucleotide variant.
Coding change: c.219C>T on transcript NM_007103.4 (MANE Select); coding-DNA position 219, C replaced by T.
Protein change: p.Pro73=; no amino-acid change (proline 73 retained).
Molecular consequence: synonymous variant.
Genome position (GRCh38, 1-based): chr11:67,608,615, C>T. VCF-style: chr11-67608615-C-T. GRCh37 (hg19) VCF-style: chr11-67376086-C-T.
Other names: c.192C>T, p.Pro64= (NM_001166102.2).
Identifiers: ClinVar variation 516388 (VCV000516388.16), dbSNP rs751424852, ClinGen allele CA6143113.

ClinVar aggregate classification (germline): Benign/Likely benign. Review status: criteria provided, multiple submitters, no conflicts (2 of 4 stars). 4 submissions from 4 submitters: Benign (1); Likely benign (2). 1 of the submissions does not count toward it. Last evaluated 2026-02-02.

Conditions:
NDUFV1-related disorder. Also called: NDUFV1-related disorders; NDUFV1-related condition.
Inborn genetic diseases. Identifiers: MedGen C0950123, MeSH D030342.

Allele frequency attached by ClinVar (database versions not stated): gnomAD 0.00004; gnomAD exomes 0.00011 and 0.00055; TOPMed 0.00025; ExAC 0.00055.
gnomAD v4.1: 163 of 1,614,010 alleles (0.01%); highest among the groups gnomAD compares: Admixed American, 0.26%; 1 homozygote.

Submissions (4):

Labcorp Genetics (formerly Invitae), Labcorp
Classification: Benign. Last evaluated: 2026-02-02. Review status: criteria provided, single submitter. Criteria: Invitae Variant Classification Sherloc (09022015). Collection method: clinical testing. Allele origin: germline.

Ambry Genetics
Classification: Likely benign for Inborn genetic diseases. Last evaluated: 2024-11-24. Review status: criteria provided, single submitter. Criteria: Ambry Variant Classification Scheme 2023. Collection method: clinical testing. Allele origin: germline.

GeneDx
Classification: Likely benign. Last evaluated: 2020-06-05. Review status: criteria provided, single submitter. Criteria: GeneDx Variant Classification Process June 2021. Collection method: clinical testing. Allele origin: germline. Affected: yes.

PreventionGenetics, part of Exact Sciences
Classification: Likely benign for NDUFV1-related condition. Last evaluated: 2023-02-01. Review status: no assertion criteria provided. Collection method: clinical testing. Allele origin: germline. Not counted in ClinVar's aggregate classification.
Comment: This variant is classified as likely benign based on ACMG/AMP sequence variant interpretation guidelines (Richards et al. 2015 PMID: 25741868, with internal and published modifications).